The following is an entry in ClinVar:

NM_000156.6(GAMT):c.350G>C (p.Trp117Ser)

Gene: GAMT (guanidinoacetate N-methyltransferase; minus strand). Cytogenetic location: 19p13.3.
Variant type: single nucleotide variant.
Coding change: c.350G>C on transcript NM_000156.6 (MANE Select); coding-DNA position 350, G replaced by C.
Protein change: p.Trp117Ser; replaces tryptophan 117 with serine.
Molecular consequence: missense variant.
Genome position (GRCh38, 1-based): chr19:1,399,565, C>G on the plus strand (G>C on the coding strand, the complement: GAMT is on the minus strand). VCF-style: chr19-1399565-C-G. GRCh37 (hg19) VCF-style: chr19-1399564-C-G.
Other names: c.350G>C, p.Trp117Ser (NM_138924.3); short protein forms W117S.
Identifiers: ClinVar variation 1312159 (VCV001312159.2), dbSNP rs2144637546, ClinGen allele CA402995767.

ClinVar aggregate classification (germline): Uncertain significance (1 of 4 stars; one submission).

Submission:

GeneDx
Classification: Uncertain significance. Last evaluated: 2019-09-11. Review status: criteria provided, single submitter. Criteria: GeneDx Variant Classification Process June 2021. Collection method: clinical testing. Allele origin: germline. Affected: yes.
Comment: Not observed in large population cohorts (Lek et al., 2016); In silico analysis, which includes protein predictors and evolutionary conservation, supports a deleterious effect